The following is an entry in ClinVar:

NM_001401501.2(MUC16):c.39325-8T>C

Gene: MUC16 (mucin 16, cell surface associated; minus strand). Cytogenetic location: 19p13.2.
Variant type: single nucleotide variant.
Coding change: c.39325-8T>C on transcript NM_001401501.2 (MANE Select); 8 bases into the intron before coding-DNA position 39325, T replaced by C.
Molecular consequence: intron variant.
Genome position (GRCh38, 1-based): chr19:8,898,666, A>G on the plus strand (T>C on the coding strand, the complement: MUC16 is on the minus strand). VCF-style: chr19-8898666-A-G. GRCh37 (hg19) VCF-style: chr19-9009342-A-G.
Other names: c.39751-8T>C (NM_001414686.1); c.39205-8T>C (NM_001414687.1); c.39139-8T>C (NM_024690.2).
Identifiers: ClinVar variation 3037852 (VCV003037852.2), dbSNP rs754400033, ClinGen allele CA9164179.

ClinVar aggregate classification (germline): Benign (0 of 4 stars; one submission).

Conditions:
MUC16-related disorder. Also called: MUC16-related condition.

Allele frequency attached by ClinVar (database versions not stated): ExAC 0.00035; gnomAD exomes 0.01242; 1000 Genomes Project 30x 0.41661.

Submission:

PreventionGenetics, part of Exact Sciences
Classification: Benign for MUC16-related condition. Last evaluated: 2019-02-19. Review status: no assertion criteria provided. Collection method: clinical testing. Allele origin: germline.
Comment: This variant is classified as benign based on ACMG/AMP sequence variant interpretation guidelines (Richards et al. 2015 PMID: 25741868, with internal and published modifications).